The following is an entry in ClinVar:

ClinVar aggregate classification (germline): Uncertain significance (1 of 4 stars; one submission).

Conditions:
Hereditary cancer-predisposing syndrome. Also called: Neoplastic Syndromes, Hereditary; Tumor predisposition; Hereditary Cancer Syndrome; Hereditary neoplastic syndrome. Identifiers: Orphanet 140162, MedGen C0027672, MeSH D009386, MONDO:0015356.

Submission:

Ambry Genetics
Classification: Uncertain significance for Hereditary cancer-predisposing syndrome. Last evaluated: 2024-11-18. Review status: criteria provided, single submitter. Criteria: Ambry Variant Classification Scheme 2023. Collection method: clinical testing. Allele origin: germline.
Comment: The p.N1000D variant (also known as c.2998A>G), located in coding exon 18 of the PTCH1 gene, results from an A to G substitution at nucleotide position 2998. The asparagine at codon 1000 is replaced by aspartic acid, an amino acid with highly similar properties. This amino acid position is conserved. In addition, this alteration is predicted to be tolerated by in silico analysis. Based on the available evidence, the clinical significance of this variant remains unclear.

NM_000264.5(PTCH1):c.2998A>G (p.Asn1000Asp)

Gene: PTCH1 (patched 1; minus strand). Cytogenetic location: 9q22.32.
Variant type: single nucleotide variant.
Coding change: c.2998A>G on transcript NM_000264.5 (MANE Select); coding-DNA position 2998, A replaced by G.
Protein change: p.Asn1000Asp; replaces asparagine 1000 with aspartic acid.
Molecular consequence: missense variant. On other transcripts: non-coding transcript variant (1).
Genome position (GRCh38, 1-based): chr9:95,458,183, T>C on the plus strand (A>G on the coding strand, the complement: PTCH1 is on the minus strand). VCF-style: chr9-95458183-T-C. GRCh37 (hg19) VCF-style: chr9-98220465-T-C.
Other names: c.2800A>G, p.Asn934Asp (NM_001083602.3); c.2995A>G, p.Asn999Asp (NM_001083603.3); c.2545A>G, p.Asn849Asp (NM_001083604.3, NM_001083605.3, NM_001083606.3 and 1 more transcripts); c.2842A>G, p.Asn948Asp (NM_001354918.2); short protein forms N849D, N1000D, N934D, N999D, N948D.
Identifiers: ClinVar variation 3427330 (VCV003427330.1).
Genomic context (GRCh38, chr9:95,458,183, plus strand): 5'-GCTCCCAGAAGAGGAAGGGGTAGCCGTTGGGGTAACTGGACAGCCCCAGGCTCGTATAGT[T>C]GCTGCAGATGGTCCTTACTTTTTCAATTGCCTCCACAAAGTCTGAGGTGTCCCGCAAGCC-3'
Protein context (NP_000255.2, residues 990-1010): AIEKVRTICS[Asn1000Asp]YTSLGLSSYP